The following is an entry in ClinVar:

NM_001364171.2(ODAD1):c.943A>T (p.Met315Leu)

Gene: ODAD1 (outer dynein arm docking complex subunit 1; minus strand). Cytogenetic location: 19q13.33.
Variant type: single nucleotide variant.
Coding change: c.943A>T on transcript NM_001364171.2 (MANE Select); coding-DNA position 943, A replaced by T.
Protein change: p.Met315Leu; replaces methionine 315 with leucine.
Molecular consequence: missense variant.
Genome position (GRCh38, 1-based): chr19:48,303,695, T>A on the plus strand (A>T on the coding strand, the complement: ODAD1 is on the minus strand). VCF-style: chr19-48303695-T-A. GRCh37 (hg19) VCF-style: chr19-48806952-T-A.
Other names: c.832A>T, p.Met278Leu (NM_144577.4); short protein forms M278L, M315L.
Identifiers: ClinVar variation 2626425 (VCV002626425.2), dbSNP rs768270947, ClinGen allele CA9548900.

ClinVar aggregate classification (germline): Uncertain significance (1 of 4 stars; one submission).

Conditions:
Primary ciliary dyskinesia. Also called: Ciliary dyskinesia. Identifiers: Orphanet 244, MedGen C0008780, MONDO:0016575, HP:0012265.

gnomAD v4.1: 9 of 1,613,946 alleles (0.00056%); highest among the groups gnomAD compares: East Asian, 0.011%; no homozygotes.

Submission:

Ambry Genetics
Classification: Uncertain significance for Primary ciliary dyskinesia. Last evaluated: 2023-06-16. Review status: criteria provided, single submitter. Criteria: Ambry Variant Classification Scheme 2023. Collection method: clinical testing. Allele origin: germline.
Comment: The p.M278L variant (also known as c.832A>T), located in coding exon 7 of the CCDC114 gene, results from an A to T substitution at nucleotide position 832. The methionine at codon 278 is replaced by leucine, an amino acid with highly similar properties. This amino acid position is conserved. In addition, this alteration is predicted to be tolerated by in silico analysis. Since supporting evidence is limited at this time, the clinical significance of this alteration remains unclear.